The following is an entry in ClinVar:

NM_000159.4(GCDH):c.764C>G (p.Ser255Trp)

Gene: GCDH (glutaryl-CoA dehydrogenase; plus strand). Cytogenetic location: 19p13.13.
Variant type: single nucleotide variant.
Coding change: c.764C>G on transcript NM_000159.4 (MANE Select); coding-DNA position 764, C replaced by G.
Protein change: p.Ser255Trp; replaces serine 255 with tryptophan.
Molecular consequence: missense variant. On other transcripts: non-coding transcript variant (2).
Genome position (GRCh38, 1-based): chr19:12,896,333, C>G. VCF-style: chr19-12896333-C-G. GRCh37 (hg19) VCF-style: chr19-13007147-C-G.
Other names: c.764C>G, p.Ser255Trp (NM_013976.5); short protein forms S255W.
Identifiers: ClinVar variation 2910453 (VCV002910453.3), dbSNP rs758503371, ClinGen allele CA404318882.

ClinVar aggregate classification (germline): Uncertain significance (1 of 4 stars; one submission).

Conditions:
Glutaric aciduria, type 1. Also called: Glutaric Acidemia Type 1; GA I; Glutaric acidemia type I; Glutaricacidemia Type 1; Glutaryl-CoA dehydrogenase deficiency; Glutaricaciduria, type I. Identifiers: Orphanet 25, MedGen C0268595, MONDO:0009281, OMIM 231670.

Submission:

Labcorp Genetics (formerly Invitae), Labcorp
Classification: Uncertain significance for Glutaric aciduria, type 1. Last evaluated: 2023-05-18. Review status: criteria provided, single submitter. Criteria: Invitae Variant Classification Sherloc (09022015). Collection method: clinical testing. Allele origin: germline.
Comment: In summary, the available evidence is currently insufficient to determine the role of this variant in disease. Therefore, it has been classified as a Variant of Uncertain Significance. This variant disrupts the p.Ser255 amino acid residue in GCDH. Other variant(s) that disrupt this residue have been determined to be pathogenic (PMID: 10960496, 25204480, 25762492, 27351573). This suggests that this residue is clinically significant, and that variants that disrupt this residue are likely to be disease-causing. Advanced modeling of protein sequence and biophysical properties (such as structural, functional, and spatial information, amino acid conservation, physicochemical variation, residue mobility, and thermodynamic stability) performed at Invitae indicates that this missense variant is expected to disrupt GCDH protein function. This missense change has been observed in individual(s) with glutaric aciduria type 1 (PMID: 29665094; Invitae). This variant is not present in population databases (gnomAD no frequency). This sequence change replaces serine, which is neutral and polar, with tryptophan, which is neutral and slightly polar, at codon 255 of the GCDH protein (p.Ser255Trp).

Literature cited by the submitters: PubMed 10960496; PubMed 25204480; PubMed 25762492; PubMed 27351573; PubMed 29665094.